The following is an entry in ClinVar:

NM_001353345.2(SETD1B):c.3086T>C (p.Leu1029Pro)

Gene: SETD1B (SET domain containing 1B, histone lysine methyltransferase; plus strand). Cytogenetic location: 12q24.31.
Variant type: single nucleotide variant.
Coding change: c.3086T>C on transcript NM_001353345.2 (MANE Select); coding-DNA position 3086, T replaced by C.
Protein change: p.Leu1029Pro; replaces leucine 1029 with proline.
Molecular consequence: missense variant.
Genome position (GRCh38, 1-based): chr12:121,817,478, T>C. VCF-style: chr12-121817478-T-C. GRCh37 (hg19) VCF-style: chr12-122255384-T-C.
Other names: short protein forms L1029P.
Identifiers: ClinVar variation 3367427 (VCV003367427.1).

ClinVar aggregate classification (germline): Uncertain significance (1 of 4 stars; one submission).

Submission:

GeneDx
Classification: Uncertain significance. Last evaluated: 2024-01-04. Review status: criteria provided, single submitter. Criteria: GeneDx Variant Classification Process June 2021. Collection method: clinical testing. Allele origin: germline. Affected: yes.
Comment: Not observed at significant frequency in large population cohorts (gnomAD); In silico analysis supports that this missense variant has a deleterious effect on protein structure/function; Has not been previously published as pathogenic or benign to our knowledge